The following is an entry in ClinVar:

ClinVar aggregate classification (germline): Uncertain significance. Review status: criteria provided, multiple submitters, no conflicts (2 of 4 stars). 2 submissions from 2 submitters: Uncertain significance (2). Last evaluated 2023-02-27.

Conditions:
Cardiovascular phenotype. Identifiers: MedGen CN230736.
Dilated cardiomyopathy 1AA (CMD1AA). Also called: CARDIOMYOPATHY, FAMILIAL HYPERTROPHIC, 23, WITH OR WITHOUT LEFT VENTRICULAR NONCOMPACTION; CARDIOMYOPATHY, DILATED, 1AA, WITH OR WITHOUT LEFT VENTRICULAR NONCOMPACTION; Cardiomyopathy, dilated, 1AA, with or without LVNC. Identifiers: Orphanet 154, MedGen C2677338, MONDO:0012808, OMIM 612158.
Primary familial hypertrophic cardiomyopathy (HCM). Identifiers: Orphanet 99739, MedGen C0949658, MeSH D024741, MONDO:0024573. Inheritance: Various modes of inheritance.

Allele frequency attached by ClinVar (database versions not stated): gnomAD exomes below 0.00001; TOPMed below 0.00001.

Submissions (2):

Ambry Genetics
Classification: Uncertain significance for Cardiovascular phenotype. Last evaluated: 2023-02-27. Review status: criteria provided, single submitter. Criteria: Ambry Variant Classification Scheme 2023. Collection method: clinical testing. Allele origin: germline.
Comment: The p.Y12C variant (also known as c.35A>G), located in coding exon 1 of the ACTN2 gene, results from an A to G substitution at nucleotide position 35. The tyrosine at codon 12 is replaced by cysteine, an amino acid with highly dissimilar properties. This amino acid position is well conserved in available vertebrate species. In addition, the in silico prediction for this alteration is inconclusive. Since supporting evidence is limited at this time, the clinical significance of this alteration remains unclear.

Labcorp Genetics (formerly Invitae), Labcorp
Classification: Uncertain significance for Primary familial hypertrophic cardiomyopathy; Dilated cardiomyopathy 1AA. Last evaluated: 2022-09-23. Review status: criteria provided, single submitter. Criteria: Invitae Variant Classification Sherloc (09022015). Collection method: clinical testing. Allele origin: germline.
Comment: In summary, the available evidence is currently insufficient to determine the role of this variant in disease. Therefore, it has been classified as a Variant of Uncertain Significance. Algorithms developed to predict the effect of missense changes on protein structure and function are either unavailable or do not agree on the potential impact of this missense change (SIFT: "Deleterious"; PolyPhen-2: "Possibly Damaging"; Align-GVGD: "Class C0"). This variant has not been reported in the literature in individuals affected with ACTN2-related conditions. This variant is not present in population databases (gnomAD no frequency). This sequence change replaces tyrosine, which is neutral and polar, with cysteine, which is neutral and slightly polar, at codon 12 of the ACTN2 protein (p.Tyr12Cys).

NM_001103.4(ACTN2):c.35A>G (p.Tyr12Cys)

Gene: ACTN2 (actinin alpha 2; plus strand). Cytogenetic location: 1q43.
Variant type: single nucleotide variant.
Coding change: c.35A>G on transcript NM_001103.4 (MANE Select); coding-DNA position 35, A replaced by G.
Protein change: p.Tyr12Cys; replaces tyrosine 12 with cysteine.
Molecular consequence: missense variant. On other transcripts: 5 prime UTR variant (1).
Genome position (GRCh38, 1-based): chr1:236,686,708, A>G. VCF-style: chr1-236686708-A-G. GRCh37 (hg19) VCF-style: chr1-236850008-A-G.
Other names: c.35A>G, p.Tyr12Cys (NM_001278343.2); c.-787A>G (NM_001278344.2); c.-912A>G (NM_001412150.1); c.35A>G (NM_001103.2); short protein forms Y12C.
Identifiers: ClinVar variation 1983522 (VCV001983522.6), dbSNP rs1665881725, ClinGen allele CA345358131.